The following is an entry in ClinVar:

NM_000256.3(MYBPC3):c.251G>C (p.Gly84Ala)

Gene: MYBPC3 (myosin binding protein C3; minus strand). Cytogenetic location: 11p11.2.
Variant type: single nucleotide variant.
Coding change: c.251G>C on transcript NM_000256.3 (MANE Select); coding-DNA position 251, G replaced by C.
Protein change: p.Gly84Ala; replaces glycine 84 with alanine.
Molecular consequence: missense variant.
Genome position (GRCh38, 1-based): chr11:47,351,280, C>G on the plus strand (G>C on the coding strand, the complement: MYBPC3 is on the minus strand). VCF-style: chr11-47351280-C-G. GRCh37 (hg19) VCF-style: chr11-47372831-C-G.
Other names: short protein forms G84A.
Identifiers: ClinVar variation 1792518 (VCV001792518.2), dbSNP rs569824900, ClinGen allele CA380341580.

ClinVar aggregate classification (germline): Uncertain significance (1 of 4 stars; one submission).

Conditions:
Cardiovascular phenotype. Identifiers: MedGen CN230736.

Submission:

Ambry Genetics
Classification: Uncertain significance for Cardiovascular phenotype. Last evaluated: 2020-09-25. Review status: criteria provided, single submitter. Criteria: Ambry Variant Classification Scheme 2023. Collection method: clinical testing. Allele origin: germline.
Comment: The p.G84A variant (also known as c.251G>C), located in coding exon 2 of the MYBPC3 gene, results from a G to C substitution at nucleotide position 251. The glycine at codon 84 is replaced by alanine, an amino acid with similar properties. A different variant affecting this codon (p.G84D, c.251G>A) has been detected in a dilated cardiomyopathy cohort; however, details were limited (Waldm&uuml;ller S et al. Eur. J. Heart Fail., 2011 Nov;13:1185-92). This amino acid position is highly conserved in available vertebrate species. In addition, this alteration is predicted to be deleterious by in silico analysis. Since supporting evidence is limited at this time, the clinical significance of this alteration remains unclear.

Literature cited by the submitters: PubMed 21750094.